The following is an entry in ClinVar:

NM_006231.4(POLE):c.6476G>A (p.Arg2159His)

Gene: POLE (DNA polymerase epsilon, catalytic subunit; minus strand). Cytogenetic location: 12q24.33.
Variant type: single nucleotide variant.
Coding change: c.6476G>A on transcript NM_006231.4 (MANE Select); coding-DNA position 6476, G replaced by A.
Protein change: p.Arg2159His; replaces arginine 2159 with histidine.
Molecular consequence: missense variant.
Genome position (GRCh38, 1-based): chr12:132,626,172, C>T on the plus strand (G>A on the coding strand, the complement: POLE is on the minus strand). VCF-style: chr12-132626172-C-T. GRCh37 (hg19) VCF-style: chr12-133202758-C-T.
Other names: short protein forms R2159H.
Identifiers: ClinVar variation 240596 (VCV000240596.37), dbSNP rs373092830, ClinGen allele CA6892169.

ClinVar aggregate classification (germline): Conflicting classifications of pathogenicity. Review status: criteria provided, conflicting classifications (1 of 4 stars). 10 submissions from 10 submitters: Uncertain significance (7); Likely benign (3). Last evaluated 2026-10-01.

Conditions:
Polymerase proofreading-related adenomatous polyposis. Also called: Polymerase proofreading associated polyposis; Polymerase proofreading–associated polyposis (PPAP). Identifiers: Orphanet 447877, MedGen C5202613, MONDO:0018653.
Facial dysmorphism-immunodeficiency-livedo-short stature syndrome. Also called: FILS syndrome; Facial dysmorphism, immunodeficiency, livedo, and short stature. Identifiers: Orphanet 352712, MedGen C3554576, MONDO:0014058, OMIM 615139.
Colorectal cancer, susceptibility to, 12 (CRCS12). Also called: COLORECTAL CANCER, SUSCEPTIBILITY TO, ON CHROMOSOME 12q24. Identifiers: Orphanet 220460, MedGen C3554460, MONDO:0014038, OMIM 615083.
Hereditary cancer-predisposing syndrome. Also called: Hereditary neoplastic syndrome; Hereditary Cancer Syndrome; Neoplastic Syndromes, Hereditary; Tumor predisposition. Identifiers: Orphanet 140162, MedGen C0027672, MeSH D009386, MONDO:0015356.

Allele frequency attached by ClinVar (database versions not stated): TOPMed 0.00002; ExAC 0.00003; gnomAD exomes 0.00003 and 0.00004; ESP Exome Variant Server 0.00008.
gnomAD v4.1: 49 of 1,612,446 alleles (0.003%); highest among the groups gnomAD compares: Middle Eastern, 0.034%; no homozygotes.

Submissions (10):

St. Jude Molecular Pathology, St. Jude Children's Research Hospital
Classification: Uncertain significance for Colorectal cancer, susceptibility to, 12. Last evaluated: 2026-10-01. Review status: criteria provided, single submitter. Criteria: St. Jude Assertion Criteria 2020. Collection method: clinical testing. Allele origin: germline.
Comment: The POLE c.6476G>A p.(Arg2159His) missense change has a maximum subpopulation frequency of 0.02% in gnomAD v2.1.1. The in silico tool REVEL predicts a benign effect on protein function, but to our knowledge this prediction has not been confirmed by f unctional studies. To our knowledge, this variant has not been reported in the literature in individuals with POLE-related disease. In summary, the evidence currently available is insufficient to determine the clinical significance of this variant. It has therefore been classified as of uncertain significance.

Labcorp Genetics (formerly Invitae), Labcorp
Classification: Uncertain significance. Last evaluated: 2025-12-24. Review status: criteria provided, single submitter. Criteria: Invitae Variant Classification Sherloc (09022015). Collection method: clinical testing. Allele origin: germline.
Comment: This sequence change replaces arginine, which is basic and polar, with histidine, which is basic and polar, at codon 2159 of the POLE protein (p.Arg2159His). This variant is present in population databases (rs373092830, gnomAD 0.01%). This variant has not been reported in the literature in individuals affected with POLE-related conditions. ClinVar contains an entry for this variant (Variation ID: 240596). Invitae Evidence Modeling of protein sequence and biophysical properties (such as structural, functional, and spatial information, amino acid conservation, physicochemical variation, residue mobility, and thermodynamic stability) indicates that this missense variant is not expected to disrupt POLE protein function with a negative predictive value of 80%. In summary, the available evidence is currently insufficient to determine the role of this variant in disease. Therefore, it has been classified as a Variant of Uncertain Significance.

CeGaT Center for Human Genetics Tuebingen
Classification: Likely benign. Last evaluated: 2025-07-01. Review status: criteria provided, single submitter. Criteria: CeGaT Center For Human Genetics Tuebingen Variant Classification Criteria Version 2. Collection method: clinical testing. Allele origin: germline. Affected: yes. Observed: 2 variant alleles.
Comment: POLE: BP4

Women's Health and Genetics/Laboratory Corporation of America, LabCorp
Classification: Uncertain significance. Last evaluated: 2025-04-03. Review status: criteria provided, single submitter. Criteria: LabCorp Variant Classification Summary - May 2015. Collection method: clinical testing. Allele origin: germline.
Comment: Variant summary: POLE c.6476G>A (p.Arg2159His) results in a non-conservative amino acid change in the encoded protein sequence. Four of five in-silico tools predict a benign effect of the variant on protein function. The variant allele was found at a frequency of 4.4e-05 in 247948 control chromosomes. This frequency is not significantly higher than estimated for a pathogenic variant in POLE causing Facial Dysmorphism, Immunodeficiency, Livedo, And Short Stature (4.4e-05 vs 0.0011), allowing no conclusion about variant significance. To our knowledge, no occurrence of c.6476G>A in individuals affected with POLE-related conditions and no experimental evidence demonstrating its impact on protein function have been reported. ClinVar contains an entry for this variant (Variation ID: 240596). Based on the evidence outlined above, the variant was classified as uncertain significance.

Blueprint Genetics
Classification: Likely benign. Last evaluated: 2023-10-02. Review status: criteria provided, single submitter. Criteria: ACMG Guidelines, 2015. Collection method: clinical testing. Allele origin: germline.

GeneDx
Classification: Uncertain significance. Last evaluated: 2023-04-19. Review status: criteria provided, single submitter. Criteria: GeneDx Variant Classification Process June 2021. Collection method: clinical testing. Allele origin: germline. Affected: yes.
Comment: In silico analysis supports that this missense variant does not alter protein structure/function; Has not been previously published as pathogenic or benign to our knowledge; This variant is associated with the following publications: (PMID: 32546565, 19296856)

Ambry Genetics
Classification: Likely benign for Hereditary cancer-predisposing syndrome. Last evaluated: 2022-11-20. Review status: criteria provided, single submitter. Criteria: Ambry Variant Classification Scheme 2023. Collection method: clinical testing. Allele origin: germline.

Department of Pathology and Laboratory Medicine, Sinai Health System
Classification: Uncertain significance for Polymerase proofreading-related adenomatous polyposis. Last evaluated: 2020-03-02. Review status: criteria provided, single submitter. Criteria: ACMG Guidelines, 2015. Collection method: clinical testing. Allele origin: germline. Affected: yes.

Fulgent Genetics
Classification: Uncertain significance for Colorectal cancer, susceptibility to, 12; Facial dysmorphism-immunodeficiency-livedo-short stature syndrome. Last evaluated: 2018-10-31. Review status: criteria provided, single submitter. Criteria: ACMG Guidelines, 2015. Collection method: clinical testing. Allele origin: unknown.

Quest Diagnostics Nichols Institute San Juan Capistrano
Classification: Uncertain significance. Last evaluated: 2017-10-30. Review status: criteria provided, single submitter. Criteria: Quest Diagnostics criteria. Collection method: clinical testing. Allele origin: germline.